The following is an entry in ClinVar:

ClinVar aggregate classification (germline): Uncertain significance (1 of 4 stars; one submission).

Conditions:
Gorlin syndrome. Also called: Basal cell nevus syndrome; Nevoid Basal Cell Carcinoma Syndrome. Identifiers: Orphanet 377, MedGen C0004779, MONDO:0007187.

Submission:

Labcorp Genetics (formerly Invitae), Labcorp
Classification: Uncertain significance for Gorlin syndrome. Last evaluated: 2020-06-20. Review status: criteria provided, single submitter. Criteria: Invitae Variant Classification Sherloc (09022015). Collection method: clinical testing. Allele origin: germline.
Comment: Algorithms developed to predict the effect of sequence changes on RNA splicing suggest that this variant may create or strengthen a splice site, but this prediction has not been confirmed by published transcriptional studies. In summary, the available evidence is currently insufficient to determine the role of this variant in disease. Therefore, it has been classified as a Variant of Uncertain Significance. Algorithms developed to predict the effect of missense changes on protein structure and function (SIFT, PolyPhen-2, Align-GVGD) all suggest that this variant is likely to be tolerated, but these predictions have not been confirmed by published functional studies and their clinical significance is uncertain. This variant has not been reported in the literature in individuals with PTCH1-related conditions. This variant is not present in population databases (ExAC no frequency). This sequence change replaces histidine with tyrosine at codon 1276 of the PTCH1 protein (p.His1276Tyr). The histidine residue is weakly conserved and there is a moderate physicochemical difference between histidine and tyrosine.

NM_000264.5(PTCH1):c.3826C>T (p.His1276Tyr)

Gene: PTCH1 (patched 1; minus strand). Cytogenetic location: 9q22.32.
Variant type: single nucleotide variant.
Coding change: c.3826C>T on transcript NM_000264.5 (MANE Select); coding-DNA position 3826, C replaced by T.
Protein change: p.His1276Tyr; replaces histidine 1276 with tyrosine.
Molecular consequence: missense variant. On other transcripts: non-coding transcript variant (1).
Genome position (GRCh38, 1-based): chr9:95,447,430, G>A on the plus strand (C>T on the coding strand, the complement: PTCH1 is on the minus strand). VCF-style: chr9-95447430-G-A. GRCh37 (hg19) VCF-style: chr9-98209712-G-A.
Other names: c.3628C>T, p.His1210Tyr (NM_001083602.3); c.3823C>T, p.His1275Tyr (NM_001083603.3); c.3373C>T, p.His1125Tyr (NM_001083604.3, NM_001083605.3, NM_001083606.3 and 1 more transcripts); c.3670C>T, p.His1224Tyr (NM_001354918.2); short protein forms H1210Y, H1275Y, H1125Y, H1276Y, H1224Y.
Identifiers: ClinVar variation 1037499 (VCV001037499.9), dbSNP rs786204190, ClinGen allele CA374110844.